The following is an entry in ClinVar:

ClinVar aggregate classification (germline): Likely benign (1 of 4 stars; one submission).

Allele frequency attached by ClinVar (database versions not stated): 1000 Genomes Project 0.00140; 1000 Genomes Project 30x 0.00187; gnomAD 0.00243; ESP Exome Variant Server 0.00361.
gnomAD v4.1: 6,658 of 1,611,060 alleles (0.41%); highest among the groups gnomAD compares: Non-Finnish European, 0.53%; 16 homozygotes.

Submission:

CeGaT Center for Human Genetics Tuebingen
Classification: Likely benign. Last evaluated: 2023-07-01. Review status: criteria provided, single submitter. Criteria: CeGaT Center For Human Genetics Tuebingen Variant Classification Criteria Version 2. Collection method: clinical testing. Allele origin: germline. Affected: yes. Observed: 1 variant allele.
Comment: WWP1: BP4

NM_007013.4(WWP1):c.2395-4C>T

Gene: WWP1 (WW domain containing E3 ubiquitin protein ligase 1; plus strand). Cytogenetic location: 8q21.3.
Variant type: single nucleotide variant.
Coding change: c.2395-4C>T on transcript NM_007013.4 (MANE Select); 4 bases into the intron before coding-DNA position 2395, C replaced by T.
Molecular consequence: intron variant.
Genome position (GRCh38, 1-based): chr8:86,457,917, C>T. VCF-style: chr8-86457917-C-T. GRCh37 (hg19) VCF-style: chr8-87470146-C-T.
Identifiers: ClinVar variation 2658678 (VCV002658678.24), dbSNP rs188228045, ClinGen allele CA4798571.
Genomic context (GRCh38, chr8:86,457,917, plus strand): 5'-CAGTCATATAATTATTCTCTTCACTAAATCTTTATTGTGGCCTGATTCTGTGCTCATTTC[C>T]CAGGTTATGTTGTGTGGCATGCAGGAGGTTGACTTGGCAGATTGGCAGAGAAATACTGTT-3'